The following is an entry in ClinVar:

NM_015874.6(RBPJ):c.440G>A (p.Arg147Gln)

Gene: RBPJ (recombination signal binding protein for immunoglobulin kappa J region; plus strand). Cytogenetic location: 4p15.2.
Variant type: single nucleotide variant.
Coding change: c.440G>A on transcript NM_015874.6 (MANE Select); coding-DNA position 440, G replaced by A.
Protein change: p.Arg147Gln; replaces arginine 147 with glutamine.
Molecular consequence: missense variant.
Genome position (GRCh38, 1-based): chr4:26,420,669, G>A. VCF-style: chr4-26420669-G-A. GRCh37 (hg19) VCF-style: chr4-26422291-G-A.
Other names: c.374G>A, p.Arg125Gln (NM_001363577.2, NM_203283.5); c.479G>A, p.Arg160Gln (NM_001374400.1, NM_001379408.1, NM_005349.4); c.437G>A, p.Arg146Gln (NM_001374401.1, NM_001374402.1, NM_001374403.1 and 3 more transcripts); c.434G>A, p.Arg145Gln (NM_001379409.1); short protein forms R145Q, R160Q, R125Q, R146Q, R147Q.
Identifiers: ClinVar variation 2719242 (VCV002719242.3), dbSNP rs778887785, ClinGen allele CA2881347.
Genomic context (GRCh38, chr4:26,420,669, plus strand): 5'-TGTTGTCTGTAAAGATGTTCTATGGCAACAGTGATGACATTGGTGTGTTCCTCAGCAAGC[G>A]GATAAAAGTCATCTCCAAACCTTCCAAAAAGAAGCAGTCATTGAAAAATGCTGACTGTAT-3'
Protein context (NP_056958.3, residues 137-157): SDDIGVFLSK[Arg147Gln]IKVISKPSKK

ClinVar aggregate classification (germline): Uncertain significance (1 of 4 stars; one submission).

Allele frequency attached by ClinVar (database versions not stated): ExAC 0.00001; gnomAD 0.00001; TOPMed 0.00001; gnomAD exomes 0.00002.
gnomAD v4.1: 29 of 1,613,606 alleles (0.0018%); highest among the groups gnomAD compares: East Asian, 0.0022%; no homozygotes.

Submission:

Labcorp Genetics (formerly Invitae), Labcorp
Classification: Uncertain significance. Last evaluated: 2023-05-24. Review status: criteria provided, single submitter. Criteria: Invitae Variant Classification Sherloc (09022015). Collection method: clinical testing. Allele origin: germline.
Comment: In summary, the available evidence is currently insufficient to determine the role of this variant in disease. Therefore, it has been classified as a Variant of Uncertain Significance. Advanced modeling of protein sequence and biophysical properties (such as structural, functional, and spatial information, amino acid conservation, physicochemical variation, residue mobility, and thermodynamic stability) has been performed at Invitae for this missense variant, however the output from this modeling did not meet the statistical confidence thresholds required to predict the impact of this variant on RBPJ protein function. This variant has not been reported in the literature in individuals affected with RBPJ-related conditions. This variant is present in population databases (rs778887785, gnomAD 0.002%). This sequence change replaces arginine, which is basic and polar, with glutamine, which is neutral and polar, at codon 160 of the RBPJ protein (p.Arg160Gln).